The following is an entry in ClinVar:

ClinVar aggregate classification (germline): Uncertain significance (1 of 4 stars; one submission).

Allele frequency attached by ClinVar (database versions not stated): gnomAD 0.00001; gnomAD exomes 0.00001; TOPMed 0.00001; ExAC 0.00003.

Submission:

Labcorp Genetics (formerly Invitae), Labcorp
Classification: Uncertain significance. Last evaluated: 2023-04-22. Review status: criteria provided, single submitter. Criteria: Invitae Variant Classification Sherloc (09022015). Collection method: clinical testing. Allele origin: germline.
Comment: This sequence change creates a premature translational stop signal (p.Leu309Cysfs*68) in the ACOX2 gene. It is expected to result in an absent or disrupted protein product. However, the current clinical and genetic evidence is not sufficient to establish whether loss-of-function variants in ACOX2 cause disease. This variant is present in population databases (rs758022714, gnomAD 0.01%). This variant has not been reported in the literature in individuals affected with ACOX2-related conditions. Algorithms developed to predict the effect of sequence changes on RNA splicing suggest that this variant may disrupt the consensus splice site. In summary, the available evidence is currently insufficient to determine the role of this variant in disease. Therefore, it has been classified as a Variant of Uncertain Significance.

NM_003500.4(ACOX2):c.925del (p.Leu309fs)

Gene: ACOX2 (acyl-CoA oxidase 2; minus strand). Cytogenetic location: 3p14.3.
Variant type: Deletion.
Coding change: c.925del on transcript NM_003500.4 (MANE Select); coding-DNA position 925, one base deleted (C; older notation c.925delC).
Protein change: p.Leu309fs; shifts the reading frame from leucine 309.
Molecular consequence: frameshift variant.
Genome position (GRCh38, 1-based): chr3:58,530,533, G deleted on the plus strand (C on the coding strand, the reverse complement: ACOX2 is on the minus strand). VCF-style (leftmost placement, unchanged base first): chr3-58530532-AG-A. GRCh37 (hg19) VCF-style: chr3-58516259-AG-A.
Other names: short protein forms L309fs.
Identifiers: ClinVar variation 2901815 (VCV002901815.3), dbSNP rs758022714, ClinGen allele CA2472232.